The following is an entry in ClinVar:

ClinVar aggregate classification (germline): Uncertain significance. Review status: criteria provided, multiple submitters, no conflicts (2 of 4 stars). 2 submissions from 2 submitters: Uncertain significance (2). Last evaluated 2025-09-28.

Conditions:
Hereditary cancer-predisposing syndrome. Also called: Neoplastic Syndromes, Hereditary; Hereditary Cancer Syndrome; Tumor predisposition; Hereditary neoplastic syndrome. Identifiers: Orphanet 140162, MedGen C0027672, MeSH D009386, MONDO:0015356.
Ataxia-telangiectasia syndrome (AT). Also called: LOUIS-BAR SYNDROME; Cerebello-oculocutaneous telangiectasia; Immunodeficiency with ataxia telangiectasia; Ataxia-telangiectasia, complementation group D; AT, COMPLEMENTATION GROUP C; Ataxia-telangiectasia, complementation group E. Identifiers: Orphanet 100, MedGen C0004135, MONDO:0008840, OMIM 208900.

Submissions (2):

Labcorp Genetics (formerly Invitae), Labcorp
Classification: Uncertain significance for Ataxia-telangiectasia syndrome. Last evaluated: 2025-09-28. Review status: criteria provided, single submitter. Criteria: Invitae Variant Classification Sherloc (09022015). Collection method: clinical testing. Allele origin: germline.
Comment: This sequence change replaces glutamine, which is neutral and polar, with proline, which is neutral and non-polar, at codon 2729 of the ATM protein (p.Gln2729Pro). This variant is not present in population databases (gnomAD no frequency). This variant has not been reported in the literature in individuals affected with ATM-related conditions. ClinVar contains an entry for this variant (Variation ID: 453722). Invitae Evidence Modeling of protein sequence and biophysical properties (such as structural, functional, and spatial information, amino acid conservation, physicochemical variation, residue mobility, and thermodynamic stability) indicates that this missense variant is expected to disrupt ATM protein function with a positive predictive value of 95%. In summary, the available evidence is currently insufficient to determine the role of this variant in disease. Therefore, it has been classified as a Variant of Uncertain Significance.

Ambry Genetics
Classification: Uncertain significance for Hereditary cancer-predisposing syndrome. Last evaluated: 2023-09-14. Review status: criteria provided, single submitter. Criteria: Ambry Variant Classification Scheme 2023. Collection method: clinical testing. Allele origin: germline.
Comment: The p.Q2729P variant (also known as c.8186A>C), located in coding exon 55 of the ATM gene, results from an A to C substitution at nucleotide position 8186. The glutamine at codon 2729 is replaced by proline, an amino acid with similar properties. This amino acid position is highly conserved in available vertebrate species. In addition, this alteration is predicted to be deleterious by in silico analysis. Since supporting evidence is limited at this time, the clinical significance of this alteration remains unclear.

NM_000051.4(ATM):c.8186A>C (p.Gln2729Pro)

Genes: ATM (ATM serine/threonine kinase; plus strand), C11orf65 (chromosome 11 open reading frame 65; minus strand). Cytogenetic location: 11q22.3.
Variant type: single nucleotide variant.
Coding change: c.8186A>C on transcript NM_000051.4 (MANE Select); coding-DNA position 8186, A replaced by C.
Protein change: p.Gln2729Pro; replaces glutamine 2729 with proline.
Molecular consequence: missense variant. On other transcripts: intron variant (2).
Genome position (GRCh38, 1-based): chr11:108,335,879, A>C. VCF-style: chr11-108335879-A-C. GRCh37 (hg19) VCF-style: chr11-108206606-A-C.
Other names: c.8186A>C, p.Gln2729Pro (NM_001351834.2); c.641-26808T>G (NM_001330368.2); c.695-587T>G (NM_001351110.2); short protein forms Q2729P.
Identifiers: ClinVar variation 453722 (VCV000453722.11), dbSNP rs1555128350, ClinGen allele CA382562528.